The following is an entry in ClinVar:

NM_001754.5(RUNX1):c.193G>C (p.Ala65Pro)

Gene: RUNX1 (RUNX family transcription factor 1; minus strand). Cytogenetic location: 21q22.12.
Variant type: single nucleotide variant.
Coding change: c.193G>C on transcript NM_001754.5 (MANE Select); coding-DNA position 193, G replaced by C.
Protein change: p.Ala65Pro; replaces alanine 65 with proline.
Molecular consequence: missense variant.
Genome position (GRCh38, 1-based): chr21:34,887,001, C>G on the plus strand (G>C on the coding strand, the complement: RUNX1 is on the minus strand). VCF-style: chr21-34887001-C-G. GRCh37 (hg19) VCF-style: chr21-36259298-C-G.
Other names: NM_001754.5(RUNX1):c.193G>C; p.Ala65Pro; c.112G>C, p.Ala38Pro (NM_001001890.3, NM_001122607.2); short protein forms A38P, A65P.
Identifiers: ClinVar variation 2807004 (VCV002807004.5), dbSNP rs2146412555, ClinGen allele CA410203954.

ClinVar aggregate classification (germline): Uncertain significance. Review status: reviewed by expert panel (3 of 4 stars). 3 submissions from 3 submitters: Uncertain significance (1). 2 of the submissions do not count toward it. Last evaluated 2024-09-12.

Conditions:
Inborn genetic diseases. Identifiers: MedGen C0950123, MeSH D030342.
Hereditary thrombocytopenia and hematological cancer predisposition syndrome associated with RUNX1. Also called: Familial Platelet Disorder with Propensity to Acute Myelogenous Leukemia; Familial thrombocytopenia with propensity to acute myelogenous leukemia; PLATELET DISORDER, ASPIRIN-LIKE; RUNX1 Familial Platelet Disorder with Associated Myeloid Malignancies. Identifiers: Orphanet 71290, MedGen C1832388, MeSH C563324, MONDO:0100083, OMIM 601399.
Hereditary thrombocytopenia and hematologic cancer predisposition syndrome. Identifiers: Orphanet 71290, MedGen CN281654, MONDO:0011071.

gnomAD v4.1: 1 of 1,603,750 alleles (0.000062%); highest among the groups gnomAD compares: Non-Finnish European, 0.000085%; no homozygotes.

Submissions (3):

ClinGen Myeloid Malignancy Variant Curation Expert Panel
Classification: Uncertain significance for Hereditary thrombocytopenia and hematologic cancer predisposition syndrome. Last evaluated: 2024-09-12. Review status: reviewed by expert panel. Criteria: ClinGen MyeloMalig ACMG Specifications v2. Collection method: curation. Allele origin: germline. Inheritance: Autosomal dominant inheritance.
Comment: NM_001754.5(RUNX1):c.193G>C (p.Ala65Pro) is a missense variant in exon 4. This variant has not been observed in any population according to gnomAD (PM2_Supporting). The nucleotide substitution is not predicted to disrupt splicing (SpliceAI score = 0.01). The effect of the amino acid change is uncertain, as the REVEL score of 0.545 falls between 0.5 and 0.88, and functional evidence is not available in the literature for this variant. There are no reported cases. Overall, the clinical significance of this variant is uncertain. ACMG/AMP criteria applied, as specified by the Myeloid Malignancy Variant Curation Expert Panel for RUNX1: PM2_Supporting.

Ambry Genetics
Classification: Uncertain significance for Inborn genetic diseases. Last evaluated: 2025-03-06. Review status: criteria provided, single submitter. Criteria: Ambry Variant Classification Scheme 2023. Collection method: clinical testing. Allele origin: germline. Not counted in ClinVar's aggregate classification.
Comment: The p.A65P variant (also known as c.193G>C), located in coding exon 3 of the RUNX1 gene, results from a G to C substitution at nucleotide position 193. The alanine at codon 65 is replaced by proline, an amino acid with highly similar properties. This amino acid position is not well conserved in available vertebrate species. In addition, the in silico prediction for this alteration is inconclusive. Based on the available evidence, the clinical significance of this variant remains unclear.

Labcorp Genetics (formerly Invitae), Labcorp
Classification: Uncertain significance for Hereditary thrombocytopenia and hematological cancer predisposition syndrome associated with RUNX1. Last evaluated: 2023-01-01. Review status: criteria provided, single submitter. Criteria: Invitae Variant Classification Sherloc (09022015). Collection method: clinical testing. Allele origin: germline. Not counted in ClinVar's aggregate classification.
Comment: This variant is not present in population databases (gnomAD no frequency). This variant has not been reported in the literature in individuals affected with RUNX1-related conditions. Algorithms developed to predict the effect of missense changes on protein structure and function (SIFT, PolyPhen-2, Align-GVGD) all suggest that this variant is likely to be tolerated. In summary, the available evidence is currently insufficient to determine the role of this variant in disease. Therefore, it has been classified as a Variant of Uncertain Significance. This sequence change replaces alanine, which is neutral and non-polar, with proline, which is neutral and non-polar, at codon 65 of the RUNX1 protein (p.Ala65Pro).